The following is an entry in ClinVar:

ClinVar aggregate classification (germline): Uncertain significance (1 of 4 stars; one submission).

Submission:

Labcorp Genetics (formerly Invitae), Labcorp
Classification: Uncertain significance. Last evaluated: 2023-07-26. Review status: criteria provided, single submitter. Criteria: Invitae Variant Classification Sherloc (09022015). Collection method: clinical testing. Allele origin: germline.
Comment: In summary, the available evidence is currently insufficient to determine the role of this variant in disease. Therefore, it has been classified as a Variant of Uncertain Significance. An algorithm developed to predict the effect of missense changes on protein structure and function (PolyPhen-2) suggests that this variant is likely to be disruptive. This variant has not been reported in the literature in individuals affected with SLC39A7-related conditions. This variant is present in population databases (no rsID available, gnomAD 0.006%). This variant, c.497_498delinsCG, is a complex sequence change that results in the deletion of 1 and insertion of 1 amino acid(s) in the SLC39A7 protein (p.Arg166Pro).

NM_006979.3(SLC39A7):c.497_498delinsCG (p.Arg166Pro)

Gene: SLC39A7 (solute carrier family 39 member 7; plus strand). Cytogenetic location: 6p21.32.
Variant type: Indel.
Coding change: c.497_498delinsCG on transcript NM_006979.3 (MANE Select); coding-DNA positions 497 to 498, GC replaced by CG.
Protein change: p.Arg166Pro; replaces arginine 166 with proline.
Molecular consequence: missense variant.
Genome position (GRCh38, 1-based): chr6:33,201,830-33,201,831, GC replaced by CG. VCF-style: chr6-33201830-GC-CG. GRCh37 (hg19) VCF-style: chr6-33169607-GC-CG.
Other names: c.497_498delinsCG, p.Arg166Pro (NM_001077516.2); c.122_123delinsCG, p.Arg41Pro (NM_001288777.2); short protein forms R41P, R166P.
Identifiers: ClinVar variation 2842714 (VCV002842714.2), dbSNP rs2535778197, ClinGen allele CA2739272939.